The following is an entry in ClinVar:

NM_006651.4(CPLX1):c.375C>T (p.Pro125=)

Gene: CPLX1 (complexin 1; minus strand). Cytogenetic location: 4p16.3.
Variant type: single nucleotide variant.
Coding change: c.375C>T on transcript NM_006651.4 (MANE Select); coding-DNA position 375, C replaced by T.
Protein change: p.Pro125=; no amino-acid change (proline 125 retained).
Molecular consequence: synonymous variant.
Genome position (GRCh38, 1-based): chr4:786,531, G>A on the plus strand (C>T on the coding strand, the complement: CPLX1 is on the minus strand). VCF-style: chr4-786531-G-A. GRCh37 (hg19) VCF-style: chr4-780319-G-A.
Other names: c.375C>T (NM_006651.3).
Identifiers: ClinVar variation 2172736 (VCV002172736.5), dbSNP rs770257151, ClinGen allele CA2796895.

ClinVar aggregate classification (germline): Likely benign. Review status: criteria provided, multiple submitters, no conflicts (2 of 4 stars). 2 submissions from 2 submitters: Likely benign (2). Last evaluated 2025-09-11.

Conditions:
CPLX1-related disorder. Also called: CPLX1-related condition.

Allele frequency attached by ClinVar (database versions not stated): gnomAD exomes below 0.00001; ExAC 0.00001; TOPMed 0.00001.
gnomAD v4.1: 4 of 1,603,248 alleles (0.00025%); highest among the groups gnomAD compares: South Asian, 0.0034%; no homozygotes.

Submissions (2):

PreventionGenetics, part of Exact Sciences
Classification: Likely benign for CPLX1-related condition. Last evaluated: 2025-09-11. Review status: criteria provided, single submitter. Criteria: ACMG Guidelines, 2015. Collection method: clinical testing. Allele origin: germline.
Comment: This variant is classified as likely benign based on ACMG/AMP sequence variant interpretation guidelines (Richards et al. 2015 PMID: 25741868, with internal and published modifications).

Labcorp Genetics (formerly Invitae), Labcorp
Classification: Likely benign. Last evaluated: 2022-03-15. Review status: criteria provided, single submitter. Criteria: Invitae Variant Classification Sherloc (09022015). Collection method: clinical testing. Allele origin: germline.